The following is an entry in ClinVar:

ClinVar aggregate classification (germline): Uncertain significance (1 of 4 stars; one submission).

Conditions:
Hereditary cancer-predisposing syndrome. Also called: Neoplastic Syndromes, Hereditary; Tumor predisposition; Hereditary neoplastic syndrome; Hereditary Cancer Syndrome. Identifiers: Orphanet 140162, MedGen C0027672, MeSH D009386, MONDO:0015356.

Submission:

Ambry Genetics
Classification: Uncertain significance for Hereditary cancer-predisposing syndrome. Last evaluated: 2023-09-20. Review status: criteria provided, single submitter. Criteria: Ambry Variant Classification Scheme 2023. Collection method: clinical testing. Allele origin: germline.
Comment: The p.T576N variant (also known as c.1727C>A), located in coding exon 15 of the NF2 gene, results from a C to A substitution at nucleotide position 1727. The threonine at codon 576 is replaced by asparagine, an amino acid with similar properties. This amino acid position is conserved. In addition, the in silico prediction for this alteration is inconclusive. Since supporting evidence is limited at this time, the clinical significance of this alteration remains unclear.

NM_000268.4(NF2):c.1727C>A (p.Thr576Asn)

Gene: NF2 (NF2, moesin-ezrin-radixin like (MERLIN) tumor suppressor; plus strand). Cytogenetic location: 22q12.2.
Variant type: single nucleotide variant.
Coding change: c.1727C>A on transcript NM_000268.4 (MANE Select); coding-DNA position 1727, C replaced by A.
Protein change: p.Thr576Asn; replaces threonine 576 with asparagine.
Molecular consequence: missense variant. On other transcripts: intron variant (3).
Genome position (GRCh38, 1-based): chr22:29,681,591, C>A. VCF-style: chr22-29681591-C-A. GRCh37 (hg19) VCF-style: chr22-30077580-C-A.
Other names: c.1613C>A, p.Thr538Asn (NM_001407053.1, NM_001407056.1); c.1604C>A, p.Thr535Asn (NM_001407054.1, NM_001407058.1, NM_181829.3); c.1601C>A, p.Thr534Asn (NM_001407055.1, NM_181828.3); c.1592C>A, p.Thr531Asn (NM_001407057.1, NM_001407059.1); c.1469C>A, p.Thr490Asn (NM_001407062.1); c.1478C>A, p.Thr493Asn (NM_001407063.1, NM_181830.3, NM_181831.3); c.1193C>A, p.Thr398Asn (NM_001407065.1); c.1727C>A, p.Thr576Asn (NM_001407066.1, NM_016418.5, NM_181825.3 and 1 more transcripts); and 4 more; short protein forms T398N, T490N, T493N, T499N, T531N, T534N, T535N, T538N.
Identifiers: ClinVar variation 3231087 (VCV003231087.1), dbSNP rs2518736607, ClinGen allele CA411150528.